The following is an entry in ClinVar:

NM_182914.3(SYNE2):c.16721A>G (p.Gln5574Arg)

Gene: SYNE2 (spectrin repeat containing nuclear envelope protein 2; plus strand). Cytogenetic location: 14q23.2.
Variant type: single nucleotide variant.
Coding change: c.16721A>G on transcript NM_182914.3 (MANE Select); coding-DNA position 16721, A replaced by G.
Protein change: p.Gln5574Arg; replaces glutamine 5574 with arginine.
Molecular consequence: missense variant.
Genome position (GRCh38, 1-based): chr14:64,167,348, A>G. VCF-style: chr14-64167348-A-G. GRCh37 (hg19) VCF-style: chr14-64634066-A-G.
Other names: c.16721A>G, p.Gln5574Arg (NM_015180.6); short protein forms Q5574R.
Identifiers: ClinVar variation 2839025 (VCV002839025.3), dbSNP rs1213388699, ClinGen allele CA389965999.
Genomic context (GRCh38, chr14:64,167,348, plus strand): 5'-TGAGCCTCAAGCTCCCACTTAGTGACGTAGCTGTGAAGACGTTACAAAATATGAACCGGC[A>G]ATGGATTCGGGCCACGGCCACGGCACTGGAGCGCTGCAGGTTAGAACATCCCTTCTCTGT-3'
Protein context (NP_878918.2, residues 5564-5584): AVKTLQNMNR[Gln5574Arg]WIRATATALE

ClinVar aggregate classification (germline): Uncertain significance (1 of 4 stars; one submission).

Conditions:
Emery-Dreifuss muscular dystrophy 5, autosomal dominant (EDMD5). Also called: EMERY-DREIFUSS MUSCULAR DYSTROPHY 5. Identifiers: Orphanet 261, MedGen C2751805, MONDO:0013072, OMIM 612999.

Allele frequency attached by ClinVar (database versions not stated): gnomAD exomes below 0.00001.
gnomAD v4.1: 2 of 1,614,256 alleles (0.00012%); highest among the groups gnomAD compares: Non-Finnish European, 0.00017%; no homozygotes.

Submission:

Labcorp Genetics (formerly Invitae), Labcorp
Classification: Uncertain significance for Emery-Dreifuss muscular dystrophy 5, autosomal dominant. Last evaluated: 2023-02-19. Review status: criteria provided, single submitter. Criteria: Invitae Variant Classification Sherloc (09022015). Collection method: clinical testing. Allele origin: germline.
Comment: In summary, the available evidence is currently insufficient to determine the role of this variant in disease. Therefore, it has been classified as a Variant of Uncertain Significance. Algorithms developed to predict the effect of missense changes on protein structure and function output the following: SIFT: "Not Available"; PolyPhen-2: "Benign"; Align-GVGD: "Not Available". The arginine amino acid residue is found in multiple mammalian species, which suggests that this missense change does not adversely affect protein function. This variant has not been reported in the literature in individuals affected with SYNE2-related conditions. This variant is present in population databases (no rsID available, gnomAD 0.0009%). This sequence change replaces glutamine, which is neutral and polar, with arginine, which is basic and polar, at codon 5574 of the SYNE2 protein (p.Gln5574Arg).